The following is an entry in ClinVar:

NM_198488.5(SACK1H):c.613-9C>T

Gene: SACK1H (scaffolding CK1 anchoring protein H; minus strand). Cytogenetic location: 8q24.3.
Variant type: single nucleotide variant.
Coding change: c.613-9C>T on transcript NM_198488.5 (MANE Select); 9 bases into the intron before coding-DNA position 613, C replaced by T.
Molecular consequence: intron variant.
Genome position (GRCh38, 1-based): chr8:143,729,100, G>A on the plus strand (C>T on the coding strand, the complement: SACK1H is on the minus strand). VCF-style: chr8-143729100-G-A. GRCh37 (hg19) VCF-style: chr8-144811270-G-A.
Identifiers: ClinVar variation 3037605 (VCV003037605.3), dbSNP rs201408056, ClinGen allele CA4917651.

ClinVar aggregate classification (germline): Likely benign. Review status: criteria provided, single submitter (1 of 4 stars). 2 submissions from 2 submitters: Likely benign (1). 1 of the submissions does not count toward it. Last evaluated 2024-08-06.

Conditions:
FAM83H-related disorder. Also called: FAM83H-related condition.

Allele frequency attached by ClinVar (database versions not stated): gnomAD exomes 0.00018; ExAC 0.00037; 1000 Genomes Project 0.00040; 1000 Genomes Project 30x 0.00047; ESP Exome Variant Server 0.00088; gnomAD 0.00138; TOPMed 0.00138.
gnomAD v4.1: 493 of 1,613,670 alleles (0.031%); highest among the groups gnomAD compares: African/African-American, 0.43%; 3 homozygotes.

Submissions (2):

Blueprint Genetics
Classification: Likely benign. Last evaluated: 2024-08-06. Review status: criteria provided, single submitter. Criteria: ACMG Guidelines, 2015. Collection method: clinical testing. Allele origin: germline.

PreventionGenetics, part of Exact Sciences
Classification: Likely benign for FAM83H-related condition. Last evaluated: 2019-05-01. Review status: no assertion criteria provided. Collection method: clinical testing. Allele origin: germline. Not counted in ClinVar's aggregate classification.
Comment: This variant is classified as likely benign based on ACMG/AMP sequence variant interpretation guidelines (Richards et al. 2015 PMID: 25741868, with internal and published modifications).